The following is an entry in ClinVar:

ClinVar aggregate classification (germline): Uncertain significance (1 of 4 stars; one submission).

Allele frequency attached by ClinVar (database versions not stated): gnomAD exomes 0.00001 and 0.00002; ExAC 0.00001.
gnomAD v4.1: 5 of 1,612,964 alleles (0.00031%); highest among the groups gnomAD compares: Admixed American, 0.0083%; no homozygotes.

Submission:

Biesecker Lab/Clinical Genomics Section, National Institutes of Health
Classification: Uncertain significance. Last evaluated: 2013-06-24. Review status: criteria provided, single submitter. Criteria: Ng et al. (Circ Cardiovasc Genet. 2013). Collection method: research. Allele origin: unknown. Observed: 1 variant allele. Study: ClinSeq.
Comment: The study set was not selected for affection status in relation to any cancer. Pathogenicity categories were based on literature curation. See Pubmed ID:23861362 for details.

Medical sequencing

NM_001267550.2(TTN):c.99768G>T (p.Met33256Ile)

Genes: TTN (titin; minus strand), TTN-AS1 (TTN antisense RNA 1; plus strand), LOC126806420 (BRD4-independent group 4 enhancer GRCh37_chr2:179401104-179402303; plus strand). Cytogenetic location: 2q31.2.
Variant type: single nucleotide variant.
Coding change: c.99768G>T on transcript NM_001267550.2 (MANE Select); coding-DNA position 99768, G replaced by T.
Protein change: p.Met33256Ile; replaces methionine 33256 with isoleucine.
Molecular consequence: missense variant. On other transcripts: non-coding transcript variant (1).
Genome position (GRCh38, 1-based): chr2:178,537,439, C>A on the plus strand (G>T on the coding strand, the complement: TTN is on the minus strand). VCF-style: chr2-178537439-C-A. GRCh37 (hg19) VCF-style: chr2-179402166-C-A.
Other names: c.94845G>T, p.Met31615Ile (NM_001256850.1); c.72573G>T, p.Met24191Ile (NM_003319.4); c.92064G>T, p.Met30688Ile (NM_133378.4); c.72948G>T, p.Met24316Ile (NM_133432.3); c.73149G>T, p.Met24383Ile (NM_133437.4); short protein forms M30688I, M33256I, M24316I, M24383I, M31615I, M24191I.
Identifiers: ClinVar variation 191831 (VCV000191831.1), dbSNP rs752102823, ClinGen allele CA237656.